The following is an entry in ClinVar:

NM_015073.3(SIPA1L3):c.4822G>A (p.Gly1608Ser)

Gene: SIPA1L3 (signal induced proliferation associated 1 like 3; plus strand). Cytogenetic location: 19q13.13.
Variant type: single nucleotide variant.
Coding change: c.4822G>A on transcript NM_015073.3 (MANE Select); coding-DNA position 4822, G replaced by A.
Protein change: p.Gly1608Ser; replaces glycine 1608 with serine.
Molecular consequence: missense variant.
Genome position (GRCh38, 1-based): chr19:38,193,762, G>A. VCF-style: chr19-38193762-G-A. GRCh37 (hg19) VCF-style: chr19-38684402-G-A.
Other names: short protein forms G1608S.
Identifiers: ClinVar variation 3318605 (VCV003318605.2).

ClinVar aggregate classification (germline): Uncertain significance. Review status: criteria provided, multiple submitters, no conflicts (2 of 4 stars). 2 submissions from 2 submitters: Uncertain significance (2). Last evaluated 2025-08-19.

gnomAD v4.1: 86 of 1,573,476 alleles (0.0055%); highest among the groups gnomAD compares: South Asian, 0.065%; 1 homozygote.

Submissions (2):

Labcorp Genetics (formerly Invitae), Labcorp
Classification: Uncertain significance. Last evaluated: 2025-08-19. Review status: criteria provided, single submitter. Criteria: Invitae Variant Classification Sherloc (09022015). Collection method: clinical testing. Allele origin: germline.
Comment: This sequence change replaces glycine, which is neutral and non-polar, with serine, which is neutral and polar, at codon 1608 of the SIPA1L3 protein (p.Gly1608Ser). This variant is present in population databases (rs779478094, gnomAD 0.1%), and has an allele count higher than expected for a pathogenic variant. This variant has not been reported in the literature in individuals affected with SIPA1L3-related conditions. ClinVar contains an entry for this variant (Variation ID: 3318605). An algorithm developed to predict the effect of missense changes on protein structure and function outputs the following: PolyPhen-2: "Benign". The serine amino acid residue is found in multiple mammalian species, which suggests that this missense change does not adversely affect protein function. In summary, the available evidence is currently insufficient to determine the role of this variant in disease. Therefore, it has been classified as a Variant of Uncertain Significance.

Ambry Genetics
Classification: Uncertain significance. Last evaluated: 2024-06-16. Review status: criteria provided, single submitter. Criteria: Ambry Variant Classification Scheme 2023. Collection method: clinical testing. Allele origin: germline.